The following is an entry in ClinVar:

NM_004715.5(CTDP1):c.2028C>T (p.Asp676=)

Gene: CTDP1 (CTD phosphatase subunit 1; plus strand). Cytogenetic location: 18q23.
Variant type: single nucleotide variant.
Coding change: c.2028C>T on transcript NM_004715.5 (MANE Select); coding-DNA position 2028, C replaced by T.
Protein change: p.Asp676=; no amino-acid change (aspartic acid 676 retained).
Molecular consequence: synonymous variant.
Genome position (GRCh38, 1-based): chr18:79,715,488, C>T. VCF-style: chr18-79715488-C-T. GRCh37 (hg19) VCF-style: chr18-77475488-C-T.
Other names: c.1671C>T, p.Asp557= (NM_001202504.1); c.2028C>T, p.Asp676= (NM_001318511.2, NM_048368.4).
Identifiers: ClinVar variation 790467 (VCV000790467.5), dbSNP rs369463770, ClinGen allele CA9010429.

ClinVar aggregate classification (germline): Likely benign. Review status: criteria provided, single submitter (1 of 4 stars). 2 submissions from 2 submitters: Likely benign (1). 1 of the submissions does not count toward it. Last evaluated 2018-07-11.

Conditions:
CTDP1-related disorder. Also called: CTDP1-related condition.

Allele frequency attached by ClinVar (database versions not stated): TOPMed 0.00003; gnomAD 0.00005 and 0.00006; gnomAD exomes 0.00007; ESP Exome Variant Server 0.00008; ExAC 0.00013.
gnomAD v4.1: 57 of 1,576,218 alleles (0.0036%); highest among the groups gnomAD compares: Admixed American, 0.013%; no homozygotes.

Submissions (2):

Labcorp Genetics (formerly Invitae), Labcorp
Classification: Likely benign. Last evaluated: 2018-07-11. Review status: criteria provided, single submitter. Criteria: Invitae Variant Classification Sherloc (09022015). Collection method: clinical testing. Allele origin: germline.

PreventionGenetics, part of Exact Sciences
Classification: Likely benign for CTDP1-related condition. Last evaluated: 2019-05-03. Review status: no assertion criteria provided. Collection method: clinical testing. Allele origin: germline. Not counted in ClinVar's aggregate classification.
Comment: This variant is classified as likely benign based on ACMG/AMP sequence variant interpretation guidelines (Richards et al. 2015 PMID: 25741868, with internal and published modifications).